The following is an entry in ClinVar:

NM_024753.5(TTC21B):c.2095C>G (p.Leu699Val)

Gene: TTC21B (tetratricopeptide repeat domain 21B; minus strand). Cytogenetic location: 2q24.3.
Variant type: single nucleotide variant.
Coding change: c.2095C>G on transcript NM_024753.5 (MANE Select); coding-DNA position 2095, C replaced by G.
Protein change: p.Leu699Val; replaces leucine 699 with valine.
Molecular consequence: missense variant.
Genome position (GRCh38, 1-based): chr2:165,915,244, G>C on the plus strand (C>G on the coding strand, the complement: TTC21B is on the minus strand). VCF-style: chr2-165915244-G-C. GRCh37 (hg19) VCF-style: chr2-166771754-G-C.
Other names: short protein forms L699V.
Identifiers: ClinVar variation 1034925 (VCV001034925.8), dbSNP rs200182771, ClinGen allele CA59799034.
Genomic context (GRCh38, chr2:165,915,244, plus strand): 5'-TTAAGACAATTACTTACCTAAAACAAGTGATATATAACATTTTATCTTTTCTGTGCTTCA[G>C]ATAAATATCTGCCATTTTTTCTCTGGCCTCTATAAAATAAGGCTGTTCGGCTGTAACATT-3'
Protein context (NP_079029.3, residues 689-709): EAREKMADIY[Leu699Val]KHRKDKMLYI

ClinVar aggregate classification (germline): Uncertain significance (1 of 4 stars; one submission).

Conditions:
Jeune thoracic dystrophy. Also called: Jeune syndrome; Infantile thoracic dystrophy; Thoracic pelvic phalangeal dystrophy; Jeune's syndrome; Chondroectodermal dysplasia-like syndrome; Short-rib thoracic dysplasia. Identifiers: Orphanet 474, MedGen C0265275, MONDO:0018770.
Nephronophthisis. Also called: Juvenile Nephronophthisis. Identifiers: Orphanet 655, MedGen C0687120, MONDO:0019005, HP:0000090.

gnomAD v4.1: 3 of 1,614,016 alleles (0.00019%); highest among the groups gnomAD compares: Non-Finnish European, 0.00025%; no homozygotes.

Submission:

Labcorp Genetics (formerly Invitae), Labcorp
Classification: Uncertain significance for Jeune thoracic dystrophy; Nephronophthisis. Last evaluated: 2020-10-27. Review status: criteria provided, single submitter. Criteria: Invitae Variant Classification Sherloc (09022015). Collection method: clinical testing. Allele origin: germline.
Comment: In summary, the available evidence is currently insufficient to determine the role of this variant in disease. Therefore, it has been classified as a Variant of Uncertain Significance. Algorithms developed to predict the effect of missense changes on protein structure and function (SIFT, PolyPhen-2, Align-GVGD) all suggest that this variant is likely to be disruptive, but these predictions have not been confirmed by published functional studies and their clinical significance is uncertain. This variant has not been reported in the literature in individuals with TTC21B-related conditions. This variant is not present in population databases (ExAC no frequency). This sequence change replaces leucine with valine at codon 699 of the TTC21B protein (p.Leu699Val). The leucine residue is highly conserved and there is a small physicochemical difference between leucine and valine.